The following is an entry in ClinVar:

ClinVar aggregate classification (germline): Likely benign (1 of 4 stars; one submission).

Submission:

CeGaT Center for Human Genetics Tuebingen
Classification: Likely benign. Last evaluated: 2024-07-01. Review status: criteria provided, single submitter. Criteria: CeGaT Center For Human Genetics Tuebingen Variant Classification Criteria Version 2. Collection method: clinical testing. Allele origin: germline. Affected: yes. Observed: 1 variant allele.
Comment: KANK1: PM2:Supporting, BP4, BP7

NM_015158.5(KANK1):c.3333+915T>G

Gene: KANK1 (KN motif and ankyrin repeat domains 1; plus strand). Cytogenetic location: 9p24.3.
Variant type: single nucleotide variant.
Coding change: c.3333+915T>G on transcript NM_015158.5 (MANE Select); 915 bases into the intron after coding-DNA position 3333, T replaced by G.
Molecular consequence: intron variant.
Genome position (GRCh38, 1-based): chr9:735,750, T>G. VCF-style: chr9-735750-T-G. GRCh37 (hg19) VCF-style: chr9-735750-T-G.
Other names: c.3333+915T>G (NM_001256876.3, NM_001354334.2, NM_001256877.3); c.2859+915T>G (NM_001354333.2, NM_001354335.2, NM_001354337.2 and 2 more transcripts); c.3093+915T>G (NM_001354331.2); c.3279+915T>G (NM_001354332.2); c.2565+915T>G (NM_001354336.2); c.2619+915T>G (NM_001354339.2, NM_001354343.2, NM_001354342.2); c.2805+915T>G (NM_001354338.2, NM_001354340.2, NM_001354344.2).
Identifiers: ClinVar variation 3257388 (VCV003257388.17).